The following is an entry in ClinVar:

NM_182641.4(BPTF):c.8683G>A (p.Glu2895Lys)

Gene: BPTF (bromodomain PHD finger transcription factor; plus strand). Cytogenetic location: 17q24.2.
Variant type: single nucleotide variant.
Coding change: c.8683G>A on transcript NM_182641.4 (MANE Select); coding-DNA position 8683, G replaced by A.
Protein change: p.Glu2895Lys; replaces glutamic acid 2895 with lysine.
Molecular consequence: missense variant.
Genome position (GRCh38, 1-based): chr17:67,975,915, G>A. VCF-style: chr17-67975915-G-A. GRCh37 (hg19) VCF-style: chr17-65972031-G-A.
Other names: c.8632G>A, p.Glu2878Lys (NM_004459.7); short protein forms E2878K, E2895K.
Identifiers: ClinVar variation 3068484 (VCV003068484.2), dbSNP rs2513705006, ClinGen allele CA400734027.
Genomic context (GRCh38, chr17:67,975,915, plus strand): 5'-GATAACTGTCGTTACTACAATCCAAGTGACTCCCCATTTTACCAGTGTGCAGAAGTTCTC[G>A]AATCATTCTTTGTACAGAAATTGAAAGGCTTCAAAGCTAGCAGGTGAGCAGATGGGTTCG-3'
Protein context (NP_872579.2, residues 2885-2905): SPFYQCAEVL[Glu2895Lys]SFFVQKLKGF

ClinVar aggregate classification (germline): Likely pathogenic (1 of 4 stars; one submission).

Conditions:
Neurodevelopmental disorder with dysmorphic facies and distal limb anomalies. Identifiers: Orphanet 686482, MedGen C4540327, MONDO:0060596, OMIM 617755.

Submission:

Institute of Human Genetics, University of Leipzig Medical Center
Classification: Likely pathogenic for Neurodevelopmental disorder with dysmorphic facies and distal limb anomalies. Last evaluated: 2022-06-28. Review status: criteria provided, single submitter. Criteria: ACMG Guidelines, 2015. Collection method: clinical testing. Allele origin: de novo. Inheritance: Autosomal dominant inheritance. Affected: yes.
Comment: Criteria applied: PS2_MOD,PM1,PM2_SUP,PP3